The following is an entry in ClinVar:

NM_001134673.4(NFIA):c.1330C>A (p.Pro444Thr)

Gene: NFIA (nuclear factor I A; plus strand). Cytogenetic location: 1p31.3.
Variant type: single nucleotide variant.
Coding change: c.1330C>A on transcript NM_001134673.4 (MANE Select); coding-DNA position 1330, C replaced by A.
Protein change: p.Pro444Thr; replaces proline 444 with threonine.
Molecular consequence: missense variant.
Genome position (GRCh38, 1-based): chr1:61,406,637, C>A. VCF-style: chr1-61406637-C-A. GRCh37 (hg19) VCF-style: chr1-61872309-C-A.
Other names: c.1306C>A, p.Pro436Thr (NM_001145511.2); c.1465C>A, p.Pro489Thr (NM_001145512.2); c.1330C>A, p.Pro444Thr (NM_005595.5); short protein forms P436T, P444T, P489T.
Identifiers: ClinVar variation 4712133 (VCV004712133.1).

ClinVar aggregate classification (germline): Uncertain significance (1 of 4 stars; one submission).

Submission:

Labcorp Genetics (formerly Invitae), Labcorp
Classification: Uncertain significance. Last evaluated: 2025-02-03. Review status: criteria provided, single submitter. Criteria: Invitae Variant Classification Sherloc (09022015). Collection method: clinical testing. Allele origin: germline.
Comment: This sequence change replaces proline, which is neutral and non-polar, with threonine, which is neutral and polar, at codon 444 of the NFIA protein (p.Pro444Thr). This variant is not present in population databases (gnomAD no frequency). This variant has not been reported in the literature in individuals affected with NFIA-related conditions. An algorithm developed to predict the effect of missense changes on protein structure and function (PolyPhen-2) suggests that this variant is likely to be disruptive. In summary, the available evidence is currently insufficient to determine the role of this variant in disease. Therefore, it has been classified as a Variant of Uncertain Significance.